The following is an entry in ClinVar:

ClinVar aggregate classification (germline): Uncertain significance (1 of 4 stars; one submission).

Conditions:
Maple syrup urine disease (MSUD). Identifiers: Orphanet 511, MedGen C0024776, MeSH D008375, MONDO:0009563. Disease mechanism: loss of function.

Submission:

Labcorp Genetics (formerly Invitae), Labcorp
Classification: Uncertain significance for Maple syrup urine disease. Last evaluated: 2023-08-10. Review status: criteria provided, single submitter. Criteria: Invitae Variant Classification Sherloc (09022015). Collection method: clinical testing. Allele origin: germline.
Comment: In summary, the available evidence is currently insufficient to determine the role of this variant in disease. Therefore, it has been classified as a Variant of Uncertain Significance. Advanced modeling of protein sequence and biophysical properties (such as structural, functional, and spatial information, amino acid conservation, physicochemical variation, residue mobility, and thermodynamic stability) performed at Invitae indicates that this missense variant is expected to disrupt BCKDHB protein function. This sequence change replaces leucine, which is neutral and non-polar, with proline, which is neutral and non-polar, at codon 274 of the BCKDHB protein (p.Leu274Pro). This variant is not present in population databases (gnomAD no frequency). This variant has not been reported in the literature in individuals affected with BCKDHB-related conditions. ClinVar contains an entry for this variant (Variation ID: 661217).

NM_183050.4(BCKDHB):c.821T>C (p.Leu274Pro)

Gene: BCKDHB (branched chain keto acid dehydrogenase E1 subunit beta; plus strand). Cytogenetic location: 6q14.1.
Variant type: single nucleotide variant.
Coding change: c.821T>C on transcript NM_183050.4 (MANE Select); coding-DNA position 821, T replaced by C.
Protein change: p.Leu274Pro; replaces leucine 274 with proline.
Molecular consequence: missense variant. On other transcripts: non-coding transcript variant (1).
Genome position (GRCh38, 1-based): chr6:80,201,012, T>C. VCF-style: chr6-80201012-T-C. GRCh37 (hg19) VCF-style: chr6-80910729-T-C.
Other names: c.821T>C, p.Leu274Pro (NM_000056.5); c.611T>C, p.Leu204Pro (NM_001318975.1); short protein forms L274P, L204P.
Identifiers: ClinVar variation 661217 (VCV000661217.10), dbSNP rs1582342243, ClinGen allele CA364660047.